The following is an entry in ClinVar:

NM_000384.3(APOB):c.6245A>G (p.Glu2082Gly)

Gene: APOB (apolipoprotein B; minus strand). Cytogenetic location: 2p24.1.
Variant type: single nucleotide variant.
Coding change: c.6245A>G on transcript NM_000384.3 (MANE Select); coding-DNA position 6245, A replaced by G.
Protein change: p.Glu2082Gly; replaces glutamic acid 2082 with glycine.
Molecular consequence: missense variant.
Genome position (GRCh38, 1-based): chr2:21,010,623, T>C on the plus strand (A>G on the coding strand, the complement: APOB is on the minus strand). VCF-style: chr2-21010623-T-C. GRCh37 (hg19) VCF-style: chr2-21233495-T-C.
Other names: short protein forms E2082G.
Identifiers: ClinVar variation 4685184 (VCV004685184.1).

ClinVar aggregate classification (germline): Uncertain significance (1 of 4 stars; one submission).

Submission:

GeneDx
Classification: Uncertain significance. Last evaluated: 2025-07-01. Review status: criteria provided, single submitter. Criteria: GeneDx Variant Classification Process June 2021. Collection method: clinical testing. Allele origin: germline. Affected: yes.
Comment: Not observed at significant frequency in large population cohorts (gnomAD); In silico analysis supports that this missense variant has a deleterious effect on protein structure/function; Has not been previously published as pathogenic or benign to our knowledge; Also known as p.(E2055G)